The following is an entry in ClinVar:

NM_003239.5(TGFB3):c.454C>T (p.Arg152Trp)

Gene: TGFB3 (transforming growth factor beta 3; minus strand). Cytogenetic location: 14q24.3.
Variant type: single nucleotide variant.
Coding change: c.454C>T on transcript NM_003239.5 (MANE Select); coding-DNA position 454, C replaced by T.
Protein change: p.Arg152Trp; replaces arginine 152 with tryptophan.
Molecular consequence: missense variant.
Genome position (GRCh38, 1-based): chr14:75,971,617, G>A on the plus strand (C>T on the coding strand, the complement: TGFB3 is on the minus strand). VCF-style: chr14-75971617-G-A. GRCh37 (hg19) VCF-style: chr14-76437960-G-A.
Other names: c.454C>T, p.Arg152Trp (NM_001329938.2, NM_001329939.2); c.454C>T (NM_003239.2); short protein forms R152W.
Identifiers: ClinVar variation 543954 (VCV000543954.10), dbSNP rs546744152, ClinGen allele CA7280443.
Genomic context (GRCh38, chr14:75,971,617, plus strand): 5'-GGAAGAGCTCGATCCTCTGCTCATTCCGCTTAGAGCTGGGGTTGGGCACCCGCAAGACCC[G>A]GAATTCTGCTCGGAATAGGTTGGTTCTATTTTTCTCCACTGAGGACACATTGAAGCGGAA-3'
Protein context (NP_003230.1, residues 142-162): NRTNLFRAEF[Arg152Trp]VLRVPNPSSK

ClinVar aggregate classification (germline): Uncertain significance. Review status: criteria provided, multiple submitters, no conflicts (2 of 4 stars). 2 submissions from 2 submitters: Uncertain significance (2). Last evaluated 2025-08-17.

Conditions:
Rienhoff syndrome. Also called: LOEYS-DIETZ SYNDROME 5. Identifiers: MedGen C3810012, MONDO:0014262, OMIM 615582.
Familial thoracic aortic aneurysm and aortic dissection (TAAD). Also called: Thoracic aortic aneurysms and dissections. Identifiers: Orphanet 91387, MedGen C4707243, MONDO:0019625.

Allele frequency attached by ClinVar (database versions not stated): 1000 Genomes Project 30x 0.00016; 1000 Genomes Project 0.00020; ExAC 0.00001; gnomAD 0.00001 and 0.00002; gnomAD exomes 0.00001; TOPMed 0.00002.
gnomAD v4.1: 14 of 1,614,214 alleles (0.00087%); highest among the groups gnomAD compares: East Asian, 0.0022%; no homozygotes.

Submissions (2):

Labcorp Genetics (formerly Invitae), Labcorp
Classification: Uncertain significance for Rienhoff syndrome. Last evaluated: 2025-08-17. Review status: criteria provided, single submitter. Criteria: Invitae Variant Classification Sherloc (09022015). Collection method: clinical testing. Allele origin: germline.
Comment: This sequence change replaces arginine, which is basic and polar, with tryptophan, which is neutral and slightly polar, at codon 152 of the TGFB3 protein (p.Arg152Trp). This variant is present in population databases (rs546744152, gnomAD 0.005%). This missense change has been observed in individual(s) with TGFB3-related conditions (PMID: 32897753). ClinVar contains an entry for this variant (Variation ID: 543954). Invitae Evidence Modeling of protein sequence and biophysical properties (such as structural, functional, and spatial information, amino acid conservation, physicochemical variation, residue mobility, and thermodynamic stability) indicates that this missense variant is not expected to disrupt TGFB3 protein function with a negative predictive value of 80%. In summary, the available evidence is currently insufficient to determine the role of this variant in disease. Therefore, it has been classified as a Variant of Uncertain Significance.

Ambry Genetics
Classification: Uncertain significance for Familial thoracic aortic aneurysm and aortic dissection. Last evaluated: 2024-05-15. Review status: criteria provided, single submitter. Criteria: Ambry Variant Classification Scheme 2023. Collection method: clinical testing. Allele origin: germline.
Comment: The p.R152W variant (also known as c.454C>T), located in coding exon 2 of the TGFB3 gene, results from a C to T substitution at nucleotide position 454. The arginine at codon 152 is replaced by tryptophan, an amino acid with dissimilar properties. This alteration has been reported in a spontaneous coronary artery dissection cohort (Verstraeten A et al. Circulation, 2020 Sep;142:1021-1024). This amino acid position is highly conserved in available vertebrate species. In addition, this alteration is predicted to be deleterious by in silico analysis. Based on the available evidence, the clinical significance of this variant remains unclear.

Literature cited by the submitters: PubMed 32897753 (cited by Labcorp Genetics (formerly Invitae), Labcorp and Ambry Genetics).